The following is an entry in ClinVar:

NM_012452.3(TNFRSF13B):c.828C>G (p.Asp276Glu)

Gene: TNFRSF13B (TNF receptor superfamily member 13B; minus strand). Cytogenetic location: 17p11.2.
Variant type: single nucleotide variant.
Coding change: c.828C>G on transcript NM_012452.3 (MANE Select); coding-DNA position 828, C replaced by G.
Protein change: p.Asp276Glu; replaces aspartic acid 276 with glutamic acid.
Molecular consequence: missense variant.
Genome position (GRCh38, 1-based): chr17:16,939,601, G>C on the plus strand (C>G on the coding strand, the complement: TNFRSF13B is on the minus strand). VCF-style: chr17-16939601-G-C. GRCh37 (hg19) VCF-style: chr17-16842915-G-C.
Other names: short protein forms D276E.
Identifiers: ClinVar variation 538710 (VCV000538710.10), dbSNP rs144383122, ClinGen allele CA8413842.

ClinVar aggregate classification (germline): Conflicting classifications of pathogenicity. Review status: criteria provided, conflicting classifications (1 of 4 stars). 4 submissions from 4 submitters: Uncertain significance (3); Likely benign (1). Last evaluated 2025-12-30.

Conditions:
Inborn genetic diseases. Identifiers: MedGen C0950123, MeSH D030342.
Immunodeficiency, common variable, 2 (CVID2). Also called: ANTIBODY DEFICIENCY DUE TO TACI DEFECT; HYPOGAMMAGLOBULINEMIA DUE TO TACI DEFICIENCY. Identifiers: Orphanet 1572, MedGen C3150354, MONDO:0009413, OMIM 240500.

Allele frequency attached by ClinVar (database versions not stated): ExAC 0.00005; gnomAD exomes 0.00006; ESP Exome Variant Server 0.00015; 1000 Genomes Project 0.00020; gnomAD 0.00022 and 0.00023; TOPMed 0.00025; 1000 Genomes Project 30x 0.00031.
gnomAD v4.1: 68 of 1,613,648 alleles (0.0042%); highest among the groups gnomAD compares: African/African-American, 0.085%; no homozygotes.

Submissions (4):

Labcorp Genetics (formerly Invitae), Labcorp
Classification: Likely benign for Immunodeficiency, common variable, 2. Last evaluated: 2025-12-30. Review status: criteria provided, single submitter. Criteria: Invitae Variant Classification Sherloc (09022015). Collection method: clinical testing. Allele origin: germline.

Ambry Genetics
Classification: Uncertain significance for Inborn genetic diseases. Last evaluated: 2025-01-09. Review status: criteria provided, single submitter. Criteria: Ambry Variant Classification Scheme 2023. Collection method: clinical testing. Allele origin: germline.

St. Jude Molecular Pathology, St. Jude Children's Research Hospital
Classification: Uncertain significance for Immunodeficiency, common variable, 2. Last evaluated: 2024-03-06. Review status: criteria provided, single submitter. Criteria: St. Jude Assertion Criteria 2020. Collection method: clinical testing. Allele origin: germline.
Comment: The TNFRSF13B c.828C>G (p.Asp276Glu) missense change has a maximum subpopulation frequency of 0.08% in gnomAD v2.1.1. The in silico tool REVEL predicts a benign effect on protein function, but to our knowledge this prediction has not been confirmed by functional studies. To our knowledge, this variant has not been reported in individuals with TNFRSFR13B-related diseases. In summary, the evidence currently available is insufficient to determine the clinical significance of this variant. It has therefore been classified as of uncertain significance.

Blueprint Genetics
Classification: Uncertain significance. Last evaluated: 2022-11-12. Review status: criteria provided, single submitter. Criteria: ACMG Guidelines, 2015. Collection method: clinical testing. Allele origin: germline.